The following is an entry in ClinVar:

NM_000179.3(MSH6):c.143C>T (p.Ala48Val)

Gene: MSH6 (mutS homolog 6; plus strand). Cytogenetic location: 2p16.3.
Variant type: single nucleotide variant.
Coding change: c.143C>T on transcript NM_000179.3 (MANE Select); coding-DNA position 143, C replaced by T.
Protein change: p.Ala48Val; replaces alanine 48 with valine.
Molecular consequence: missense variant. On other transcripts: 5 prime UTR variant (1).
Genome position (GRCh38, 1-based): chr2:47,783,376, C>T. VCF-style: chr2-47783376-C-T. GRCh37 (hg19) VCF-style: chr2-48010515-C-T.
Other names: c.143C>T, p.Ala48Val (NM_001281492.2); c.-594C>T (NM_001281493.2); short protein forms A48V.
Identifiers: ClinVar variation 578541 (VCV000578541.11), dbSNP rs876658278, ClinGen allele CA346734924.
Genomic context (GRCh38, chr2:47,783,376, plus strand): 5'-CACGCGAAGGCGGCCGTGCCGCCGCTGCCCCCGGGGCCTCTCCTTCCCCAGGCGGGGATG[C>T]GGCCTGGAGCGAGGCTGGGCCTGGGCCCAGGCCCTTGGCGCGCTCCGCGTCACCGCCCAA-3'
Protein context (NP_000170.1, residues 38-58): PGASPSPGGD[Ala48Val]AWSEAGPGPR

ClinVar aggregate classification (germline): Uncertain significance. Review status: criteria provided, multiple submitters, no conflicts (2 of 4 stars). 2 submissions from 2 submitters: Uncertain significance (2). Last evaluated 2024-11-11.

Conditions:
Lynch syndrome. Identifiers: Orphanet 144, MedGen C4552100, MONDO:0005835. Disease mechanism: loss of function.
Hereditary nonpolyposis colorectal neoplasms. Identifiers: MedGen C0009405, MeSH D003123.

Allele frequency attached by ClinVar (database versions not stated): TOPMed below 0.00001; gnomAD 0.00001.
gnomAD v4.1: 4 of 1,593,264 alleles (0.00025%); highest among the groups gnomAD compares: Non-Finnish European, 0.00026%; no homozygotes.

Submissions (2):

Hema, HEMA – Genetic and Molecular Diagnostic Laboratory
Classification: Uncertain significance for Lynch syndrome. Last evaluated: 2024-11-11. Review status: criteria provided, single submitter. Criteria: HEMA Variant Classification Assertion Criteria. Collection method: clinical testing. Allele origin: germline.
Comment: The c.143C>T p.(Ala48Val) variant is a transition from cytosine to thymine, resulting in the substitution of alanine 48 with valine in the MSH6 protein. PM2_Supporting: Present at very low frequency in gnomAD. BP4: Prior probability of pathogenicity score MAPP/PP2 = 0.0072 < 0.11.

Labcorp Genetics (formerly Invitae), Labcorp
Classification: Uncertain significance for Hereditary nonpolyposis colorectal neoplasms. Last evaluated: 2018-12-29. Review status: criteria provided, single submitter. Criteria: Invitae Variant Classification Sherloc (09022015). Collection method: clinical testing. Allele origin: germline.
Comment: This variant has not been reported in the literature in individuals with MSH6-related disease. This variant is not present in population databases (ExAC no frequency). This sequence change replaces alanine with valine at codon 48 of the MSH6 protein (p.Ala48Val). The alanine residue is weakly conserved and there is a small physicochemical difference between alanine and valine. Algorithms developed to predict the effect of missense changes on protein structure and function output the following: SIFT: "Tolerated"; PolyPhen-2: "Benign"; Align-GVGD: "Class C0". The valine amino acid residue is found in multiple mammalian species, suggesting that this missense change does not adversely affect protein function. These predictions have not been confirmed by published functional studies and their clinical significance is uncertain. In summary, the available evidence is currently insufficient to determine the role of this variant in disease. Therefore, it has been classified as a Variant of Uncertain Significance.